The following is an entry in ClinVar:

ClinVar aggregate classification (germline): Likely benign (1 of 4 stars; one submission).

Submission:

CeGaT Center for Human Genetics Tuebingen
Classification: Likely benign. Last evaluated: 2024-04-01. Review status: criteria provided, single submitter. Criteria: CeGaT Center For Human Genetics Tuebingen Variant Classification Criteria Version 2. Collection method: clinical testing. Allele origin: germline. Affected: yes. Observed: 1 variant allele.
Comment: ANKRD11: PM2:Supporting, BP4, BP7

NM_013275.6(ANKRD11):c.1110C>T (p.Asp370=)

Gene: ANKRD11 (ankyrin repeat domain 11; minus strand). Cytogenetic location: 16q24.3.
Variant type: single nucleotide variant.
Coding change: c.1110C>T on transcript NM_013275.6 (MANE Select); coding-DNA position 1110, C replaced by T.
Protein change: p.Asp370=; no amino-acid change (aspartic acid 370 retained).
Molecular consequence: synonymous variant.
Genome position (GRCh38, 1-based): chr16:89,285,432, G>A on the plus strand (C>T on the coding strand, the complement: ANKRD11 is on the minus strand). VCF-style: chr16-89285432-G-A. GRCh37 (hg19) VCF-style: chr16-89351840-G-A.
Other names: c.1110C>T, p.Asp370= (NM_001256182.2, NM_001256183.2).
Identifiers: ClinVar variation 3234518 (VCV003234518.20), dbSNP rs2544246240, ClinGen allele CA497375848.